The following is an entry in ClinVar:

NM_000338.3(SLC12A1):c.1627G>T (p.Glu543Ter)

Gene: SLC12A1 (solute carrier family 12 member 1; plus strand). Cytogenetic location: 15q21.1.
Variant type: single nucleotide variant.
Coding change: c.1627G>T on transcript NM_000338.3 (MANE Select); coding-DNA position 1627, G replaced by T.
Protein change: p.Glu543Ter; replaces glutamic acid 543 with a stop codon.
Molecular consequence: nonsense.
Genome position (GRCh38, 1-based): chr15:48,247,403, G>T. VCF-style: chr15-48247403-G-T. GRCh37 (hg19) VCF-style: chr15-48539600-G-T.
Other names: c.1627G>T, p.Glu543Ter (NM_001184832.2, NM_001384136.1); short protein forms E543*.
Identifiers: ClinVar variation 2844479 (VCV002844479.3), dbSNP rs2505087651, ClinGen allele CA392312453.

ClinVar aggregate classification (germline): Pathogenic (1 of 4 stars; one submission).

Allele frequency attached by ClinVar (database versions not stated): gnomAD exomes below 0.00001.

Submission:

Labcorp Genetics (formerly Invitae), Labcorp
Classification: Pathogenic. Last evaluated: 2023-03-17. Review status: criteria provided, single submitter. Criteria: Invitae Variant Classification Sherloc (09022015). Collection method: clinical testing. Allele origin: germline.
Comment: For these reasons, this variant has been classified as Pathogenic. Algorithms developed to predict the effect of sequence changes on RNA splicing suggest that this variant may disrupt the consensus splice site. This variant has not been reported in the literature in individuals affected with SLC12A1-related conditions. This variant is not present in population databases (gnomAD no frequency). This sequence change creates a premature translational stop signal (p.Glu543*) in the SLC12A1 gene. It is expected to result in an absent or disrupted protein product. Loss-of-function variants in SLC12A1 are known to be pathogenic (PMID: 8640224, 9585600, 19096086).

Literature cited by the submitters: PubMed 8640224; PubMed 9585600; PubMed 19096086.